The following is an entry in ClinVar:

NM_001281956.2(CSMD2):c.2412C>T (p.Leu804=)

Gene: CSMD2 (CUB and Sushi multiple domains 2; minus strand). Cytogenetic location: 1p35.1.
Variant type: single nucleotide variant.
Coding change: c.2412C>T on transcript NM_001281956.2 (MANE Select); coding-DNA position 2412, C replaced by T.
Protein change: p.Leu804=; no amino-acid change (leucine 804 retained).
Molecular consequence: synonymous variant.
Genome position (GRCh38, 1-based): chr1:33,726,642, G>A on the plus strand (C>T on the coding strand, the complement: CSMD2 is on the minus strand). VCF-style: chr1-33726642-G-A. GRCh37 (hg19) VCF-style: chr1-34192243-G-A.
Other names: c.2292C>T, p.Leu764= (NM_052896.5).
Identifiers: ClinVar variation 2638636 (VCV002638636.24), dbSNP rs140431671, ClinGen allele CA752807.

ClinVar aggregate classification (germline): Likely benign (1 of 4 stars; one submission).

Allele frequency attached by ClinVar (database versions not stated): gnomAD 0.00013; ESP Exome Variant Server 0.00015.
gnomAD v4.1: 154 of 1,613,300 alleles (0.0095%); highest among the groups gnomAD compares: Middle Eastern, 0.016%; no homozygotes.

Submission:

CeGaT Center for Human Genetics Tuebingen
Classification: Likely benign. Last evaluated: 2022-07-01. Review status: criteria provided, single submitter. Criteria: CeGaT Center For Human Genetics Tuebingen Variant Classification Criteria Version 2. Collection method: clinical testing. Allele origin: germline. Affected: yes. Observed: 1 variant allele.
Comment: CSMD2: BP4, BP7